The following is an entry in ClinVar:

NM_001408.3(CELSR2):c.6044G>A (p.Arg2015Lys)

Gene: CELSR2 (cadherin EGF LAG seven-pass G-type receptor 2; plus strand). Cytogenetic location: 1p13.3.
Variant type: single nucleotide variant.
Coding change: c.6044G>A on transcript NM_001408.3 (MANE Select); coding-DNA position 6044, G replaced by A.
Protein change: p.Arg2015Lys; replaces arginine 2015 with lysine.
Molecular consequence: missense variant.
Genome position (GRCh38, 1-based): chr1:109,267,578, G>A. VCF-style: chr1-109267578-G-A. GRCh37 (hg19) VCF-style: chr1-109810200-G-A.
Other names: short protein forms R2015K.
Identifiers: ClinVar variation 3037849 (VCV003037849.2), dbSNP rs72703203, ClinGen allele CA987750.

ClinVar aggregate classification (germline): Benign (0 of 4 stars; one submission).

Conditions:
CELSR2-related disorder. Also called: CELSR2-related condition.

Allele frequency attached by ClinVar (database versions not stated): 1000 Genomes Project 0.00958; ESP Exome Variant Server 0.00961; 1000 Genomes Project 30x 0.00999; gnomAD 0.02135; TOPMed 0.02148; ExAC 0.02225; gnomAD exomes 0.03351.
gnomAD v4.1: 51,858 of 1,614,026 alleles (3.2%); highest among the groups gnomAD compares: Non-Finnish European, 4%; 1,031 homozygotes.

Submission:

PreventionGenetics, part of Exact Sciences
Classification: Benign for CELSR2-related condition. Last evaluated: 2019-09-24. Review status: no assertion criteria provided. Collection method: clinical testing. Allele origin: germline.
Comment: This variant is classified as benign based on ACMG/AMP sequence variant interpretation guidelines (Richards et al. 2015 PMID: 25741868, with internal and published modifications).